The following is an entry in ClinVar:

NM_006059.4(LAMC3):c.3308G>A (p.Cys1103Tyr)

Gene: LAMC3 (laminin subunit gamma 3; plus strand). Cytogenetic location: 9q34.12.
Variant type: single nucleotide variant.
Coding change: c.3308G>A on transcript NM_006059.4 (MANE Select); coding-DNA position 3308, G replaced by A.
Protein change: p.Cys1103Tyr; replaces cysteine 1103 with tyrosine.
Molecular consequence: missense variant.
Genome position (GRCh38, 1-based): chr9:131,072,726, G>A. VCF-style: chr9-131072726-G-A. GRCh37 (hg19) VCF-style: chr9-133948113-G-A.
Other names: c.3308G>A (NM_006059.3); short protein forms C1103Y.
Identifiers: ClinVar variation 1896894 (VCV001896894.3), dbSNP rs548161331, ClinGen allele CA5287746.

ClinVar aggregate classification (germline): Uncertain significance. Review status: criteria provided, multiple submitters, no conflicts (2 of 4 stars). 2 submissions from 2 submitters: Uncertain significance (2). Last evaluated 2025-06-30.

Conditions:
Inborn genetic diseases. Identifiers: MedGen C0950123, MeSH D030342.

Allele frequency attached by ClinVar (database versions not stated): ExAC 0.00001; gnomAD exomes 0.00001; gnomAD 0.00002; TOPMed 0.00002; 1000 Genomes Project 30x 0.00016; 1000 Genomes Project 0.00020.
gnomAD v4.1: 16 of 1,612,710 alleles (0.00099%); highest among the groups gnomAD compares: East Asian, 0.0045%; no homozygotes.

Submissions (2):

Ambry Genetics
Classification: Uncertain significance for Inborn genetic diseases. Last evaluated: 2025-06-30. Review status: criteria provided, single submitter. Criteria: Ambry Variant Classification Scheme 2023. Collection method: clinical testing. Allele origin: germline.

Labcorp Genetics (formerly Invitae), Labcorp
Classification: Uncertain significance. Last evaluated: 2022-01-16. Review status: criteria provided, single submitter. Criteria: Invitae Variant Classification Sherloc (09022015). Collection method: clinical testing. Allele origin: germline.
Comment: This sequence change replaces cysteine, which is neutral and slightly polar, with tyrosine, which is neutral and polar, at codon 1103 of the LAMC3 protein (p.Cys1103Tyr). This variant is present in population databases (rs548161331, gnomAD 0.003%). This variant has not been reported in the literature in individuals affected with LAMC3-related conditions. Algorithms developed to predict the effect of missense changes on protein structure and function are either unavailable or do not agree on the potential impact of this missense change (SIFT: "Tolerated"; PolyPhen-2: "Probably Damaging"; Align-GVGD: "Class C0"). In summary, the available evidence is currently insufficient to determine the role of this variant in disease. Therefore, it has been classified as a Variant of Uncertain Significance.